The following is an entry in ClinVar:

ClinVar aggregate classification (germline): Uncertain significance. Review status: criteria provided, multiple submitters, no conflicts (2 of 4 stars). 2 submissions from 2 submitters: Uncertain significance (2). Last evaluated 2024-09-19.

Conditions:
Renal cell carcinoma. Identifiers: Orphanet 217071, MedGen C0007134, MeSH D002292, MONDO:0005086, HP:0005584.
Hereditary cancer-predisposing syndrome. Also called: Tumor predisposition; Neoplastic Syndromes, Hereditary; Hereditary Cancer Syndrome; Hereditary neoplastic syndrome. Identifiers: Orphanet 140162, MedGen C0027672, MeSH D009386, MONDO:0015356.

Allele frequency attached by ClinVar (database versions not stated): gnomAD exomes below 0.00001; TOPMed below 0.00001; ExAC 0.00001.
gnomAD v4.1: 1 of 1,614,122 alleles (0.000062%); highest among the groups gnomAD compares: Non-Finnish European, 0.000085%; no homozygotes.

Submissions (2):

Labcorp Genetics (formerly Invitae), Labcorp
Classification: Uncertain significance for Renal cell carcinoma. Last evaluated: 2024-09-19. Review status: criteria provided, single submitter. Criteria: Invitae Variant Classification Sherloc (09022015). Collection method: clinical testing. Allele origin: germline.
Comment: This sequence change replaces serine, which is neutral and polar, with cysteine, which is neutral and slightly polar, at codon 1058 of the MET protein (p.Ser1058Cys). This variant is present in population databases (rs781686908, gnomAD 0.0009%). This variant has not been reported in the literature in individuals affected with MET-related conditions. ClinVar contains an entry for this variant (Variation ID: 1728465). An algorithm developed to predict the effect of missense changes on protein structure and function (PolyPhen-2) suggests that this variant is likely to be disruptive. In summary, the available evidence is currently insufficient to determine the role of this variant in disease. Therefore, it has been classified as a Variant of Uncertain Significance.

Ambry Genetics
Classification: Uncertain significance for Hereditary cancer-predisposing syndrome. Last evaluated: 2021-01-22. Review status: criteria provided, single submitter. Criteria: Ambry Variant Classification Scheme 2023. Collection method: clinical testing. Allele origin: germline.
Comment: The p.S1058C variant (also known as c.3173C>G), located in coding exon 14 of the MET gene, results from a C to G substitution at nucleotide position 3173. The serine at codon 1058 is replaced by cysteine, an amino acid with dissimilar properties. This amino acid position is highly conserved in available vertebrate species. In addition, the in silico prediction for this alteration is inconclusive. Since supporting evidence is limited at this time, the clinical significance of this alteration remains unclear.

NM_000245.4(MET):c.3119C>G (p.Ser1040Cys)

Gene: MET (MET proto-oncogene, receptor tyrosine kinase; plus strand). Cytogenetic location: 7q31.2.
Variant type: single nucleotide variant.
Coding change: c.3119C>G on transcript NM_000245.4 (MANE Select); coding-DNA position 3119, C replaced by G.
Protein change: p.Ser1040Cys; replaces serine 1040 with cysteine.
Molecular consequence: missense variant.
Genome position (GRCh38, 1-based): chr7:116,774,971, C>G. VCF-style: chr7-116774971-C-G. GRCh37 (hg19) VCF-style: chr7-116415025-C-G.
Other names: c.3173C>G, p.Ser1058Cys (NM_001127500.3); c.1829C>G, p.Ser610Cys (NM_001324402.2); short protein forms S1040C, S1058C, S610C.
Identifiers: ClinVar variation 1728465 (VCV001728465.4), dbSNP rs781686908, ClinGen allele CA4448657.